The following is an entry in ClinVar:

NM_207341.4(ZP1):c.1129_1130del (p.Val377fs)

Gene: ZP1 (zona pellucida glycoprotein 1; plus strand). Cytogenetic location: 11q12.2.
Variant type: Microsatellite.
Coding change: c.1129_1130del on transcript NM_207341.4 (MANE Select); coding-DNA positions 1129 to 1130, 2 bases deleted (GT; older notation c.1129_1130delGT).
Protein change: p.Val377fs; shifts the reading frame from valine 377.
Molecular consequence: frameshift variant. On other transcripts: 5 prime UTR variant (1).
Genome position (GRCh38, 1-based): chr11:60,873,178-60,873,179, GT deleted; deleting any 2 consecutive bases within chr11:60,873,175-60,873,179 gives the same sequence; the c. name uses the placement nearest the transcript's 3' end. VCF-style (leftmost placement, unchanged base first): chr11-60873174-CTG-C. GRCh37 (hg19) VCF-style: chr11-60640647-CTG-C.
Other names: c.250_251del, p.Val84fs (NM_001391943.1); c.-68GT[1] (NM_001391944.1); short protein forms V377fs, V84fs.
Identifiers: ClinVar variation 3382275 (VCV003382275.2).

ClinVar aggregate classification (germline): Pathogenic (1 of 4 stars; one submission).

Conditions:
Female infertility due to zona pellucida defect (OZEMA1). Also called: Oocyte maturation defect 1; OOCYTE/ZYGOTE/EMBRYO MATURATION ARREST 1. Identifiers: Orphanet 404466, MedGen C4014291, MONDO:0014342, OMIM 615774.

Submission:

Juno Genomics, Hangzhou Juno Genomics, Inc
Classification: Pathogenic for Female infertility due to zona pellucida defect. Review status: criteria provided, single submitter. Criteria: ACMG Guidelines, 2015. Collection method: clinical testing. Allele origin: germline. Affected: yes.
Comment: Absent from controls (or at extremely low frequency if recessive) in Genome Aggregation Database, Exome Sequencing Project, 1000 Genomes Project, or Exome Aggregation Consortium.;Null variant in a gene where loss of function (LOF) is a known mechanism of disease.;For recessive disorders, detected in trans with a pathogenic variant.;Patient's phenotype or family history is highly specific for a disease with a single genetic etiology.